The following is an entry in ClinVar:

ClinVar aggregate classification (germline): Benign. Review status: criteria provided, multiple submitters, no conflicts (2 of 4 stars). 4 submissions from 4 submitters: Benign (3). 1 of the submissions does not count toward it. Last evaluated 2025-12-01.

Conditions:
Intellectual disability. Also called: Intellectual functioning disability; Intellectual developmental disorder; intellectual disabilities. Identifiers: MedGen C3714756, MeSH D008607, MONDO:0001071, HP:0001249.

Allele frequency attached by ClinVar (database versions not stated): gnomAD exomes 0.00067 and 0.00173; ESP Exome Variant Server 0.00753; ExAC 0.00192; 1000 Genomes Project 30x 0.00718; gnomAD 0.00618 and 0.00663; TOPMed 0.00681; 1000 Genomes Project 0.00679.
gnomAD v4.1: 1,969 of 1,613,988 alleles (0.12%); highest among the groups gnomAD compares: African/African-American, 2.1%; 24 homozygotes.

Submissions (4):

Labcorp Genetics (formerly Invitae), Labcorp
Classification: Benign. Last evaluated: 2025-12-01. Review status: criteria provided, single submitter. Criteria: Invitae Variant Classification Sherloc (09022015). Collection method: clinical testing. Allele origin: germline.

Mayo Clinic Laboratories, Mayo Clinic
Classification: Benign. Last evaluated: 2025-06-04. Review status: criteria provided, single submitter. Criteria: ACMG Guidelines, 2015. Collection method: clinical testing. Allele origin: germline. Observed: 2 variant alleles.
Comment: BA1, BP4

Breakthrough Genomics
Classification: Benign. Review status: criteria provided, single submitter. Criteria: ACMG Guidelines, 2015. Collection method: not provided. Allele origin: germline. Inheritance: Autosomal dominant inheritance. Affected: yes.

Centre de Biologie Pathologie Génétique, Centre Hospitalier Universitaire de Lille
Classification: Likely benign for Intellectual disability. Last evaluated: 2019-01-01. Review status: no assertion criteria provided. Collection method: clinical testing. Allele origin: inherited. Affected: yes. Not counted in ClinVar's aggregate classification.

NM_015215.4(CAMTA1):c.2927G>A (p.Arg976Lys)

Gene: CAMTA1 (calmodulin binding transcription activator 1; plus strand). Cytogenetic location: 1p36.23.
Variant type: single nucleotide variant.
Coding change: c.2927G>A on transcript NM_015215.4 (MANE Select); coding-DNA position 2927, G replaced by A.
Protein change: p.Arg976Lys; replaces arginine 976 with lysine.
Molecular consequence: missense variant. On other transcripts: 5 prime UTR variant (13).
Genome position (GRCh38, 1-based): chr1:7,732,460, G>A. VCF-style: chr1-7732460-G-A. GRCh37 (hg19) VCF-style: chr1-7792520-G-A.
Other names: p.Arg976Lys; c.2837G>A, p.Arg946Lys (NM_001349608.2, NM_001349612.2); c.2927G>A, p.Arg976Lys (NM_001349609.2, NM_001349610.2, NM_001410737.1); c.56G>A, p.Arg19Lys (NM_001349613.1); c.-2G>A (NM_001349614.1, NM_001349615.2, NM_001349616.2 and 10 more transcripts); c.2855G>A, p.Arg952Lys (NM_001410738.1); short protein forms R976K, R19K, R946K, R952K.
Identifiers: ClinVar variation 788497 (VCV000788497.12), dbSNP rs61741616, ClinGen allele CA566789.